The following is an entry in ClinVar:

ClinVar aggregate classification (germline): Conflicting classifications of pathogenicity. Review status: criteria provided, conflicting classifications (1 of 4 stars). 2 submissions from 2 submitters: Uncertain significance (1); Likely benign (1). Last evaluated 2021-01-08.

Allele frequency attached by ClinVar (database versions not stated): TOPMed 0.00018; gnomAD 0.00012; gnomAD exomes 0.00014 and 0.00030; ExAC 0.00020; ESP Exome Variant Server 0.00008.

Submissions (2):

GeneDx
Classification: Uncertain significance. Last evaluated: 2021-01-08. Review status: criteria provided, single submitter. Criteria: GeneDx Variant Classification Process June 2021. Collection method: clinical testing. Allele origin: germline. Affected: yes.
Comment: Frameshift variant predicted to result in protein truncation or nonsense mediated decay in a gene for which loss-of-function is a known mechanism of disease; Has not been previously published as pathogenic or benign to our knowledge

Labcorp Genetics (formerly Invitae), Labcorp
Classification: Likely benign. Last evaluated: 2019-12-31. Review status: criteria provided, single submitter. Criteria: Invitae Variant Classification Sherloc (09022015). Collection method: clinical testing. Allele origin: germline.

NM_001164496.2(CFAP44):c.652del (p.Arg218fs)

Genes: CFAP44 (cilia and flagella associated protein 44; minus strand), CFAP44-AS1 (CFAP44 antisense RNA 1; plus strand), SPICE1-CFAP44 (SPICE1-CFAP44 readthrough (NMD candidate); minus strand). Cytogenetic location: 3q13.2.
Variant type: Deletion.
Coding change: c.652del on transcript NM_001164496.2 (MANE Select); coding-DNA position 652, one base deleted (A; older notation c.652delA).
Protein change: p.Arg218fs; shifts the reading frame from arginine 218.
Molecular consequence: frameshift variant.
Genome position (GRCh38, 1-based): chr3:113,416,546, T deleted on the plus strand (A on the coding strand, the reverse complement: CFAP44 is on the minus strand). VCF-style (leftmost placement, unchanged base first): chr3-113416545-CT-C. GRCh37 (hg19) VCF-style: chr3-113135392-CT-C.
Other names: c.652del, p.Arg218fs (NM_018338.3); c.652del (NM_001164496.1); short protein forms R218fs.
Identifiers: ClinVar variation 722480 (VCV000722480.8), dbSNP rs772295550, ClinGen allele CA2544397.